The following is an entry in ClinVar:

NM_005419.4(STAT2):c.2036A>G (p.Gln679Arg)

Gene: STAT2 (signal transducer and activator of transcription 2; minus strand). Cytogenetic location: 12q13.3.
Variant type: single nucleotide variant.
Coding change: c.2036A>G on transcript NM_005419.4 (MANE Select); coding-DNA position 2036, A replaced by G.
Protein change: p.Gln679Arg; replaces glutamine 679 with arginine.
Molecular consequence: missense variant.
Genome position (GRCh38, 1-based): chr12:56,346,450, T>C on the plus strand (A>G on the coding strand, the complement: STAT2 is on the minus strand). VCF-style: chr12-56346450-T-C. GRCh37 (hg19) VCF-style: chr12-56740234-T-C.
Other names: c.2003A>G, p.Gln668Arg (NM_001385110.1); c.1937A>G, p.Gln646Arg (NM_001385111.1); c.2036A>G, p.Gln679Arg (NM_001385113.1); c.2015A>G, p.Gln672Arg (NM_001385114.1); c.1994A>G, p.Gln665Arg (NM_001385115.1); c.2024A>G, p.Gln675Arg (NM_198332.2); short protein forms Q646R, Q672R, Q675R, Q679R, Q665R, Q668R.
Identifiers: ClinVar variation 2142282 (VCV002142282.4), dbSNP rs113631947, ClinGen allele CA237646289.

ClinVar aggregate classification (germline): Uncertain significance (1 of 4 stars; one submission).

Conditions:
Primary immunodeficiency with post-measles-mumps-rubella vaccine viral infection. Also called: Immunodeficiency 44. Identifiers: Orphanet 431166, MedGen C4225260, MONDO:0014715, OMIM 616636.

gnomAD v4.1: 2 of 1,614,218 alleles (0.00012%); no homozygotes.

Submission:

Labcorp Genetics (formerly Invitae), Labcorp
Classification: Uncertain significance for Primary immunodeficiency with post-measles-mumps-rubella vaccine viral infection. Last evaluated: 2022-11-08. Review status: criteria provided, single submitter. Criteria: Invitae Variant Classification Sherloc (09022015). Collection method: clinical testing. Allele origin: germline.
Comment: In summary, the available evidence is currently insufficient to determine the role of this variant in disease. Therefore, it has been classified as a Variant of Uncertain Significance. Advanced modeling of protein sequence and biophysical properties (such as structural, functional, and spatial information, amino acid conservation, physicochemical variation, residue mobility, and thermodynamic stability) performed at Invitae indicates that this missense variant is not expected to disrupt STAT2 protein function. This variant has not been reported in the literature in individuals affected with STAT2-related conditions. This variant is not present in population databases (gnomAD no frequency). This sequence change replaces glutamine, which is neutral and polar, with arginine, which is basic and polar, at codon 679 of the STAT2 protein (p.Gln679Arg).